The following is an entry in ClinVar:

NM_003239.5(TGFB3):c.626G>A (p.Arg209His)

Gene: TGFB3 (transforming growth factor beta 3; minus strand). Cytogenetic location: 14q24.3.
Variant type: single nucleotide variant.
Coding change: c.626G>A on transcript NM_003239.5 (MANE Select); coding-DNA position 626, G replaced by A.
Protein change: p.Arg209His; replaces arginine 209 with histidine.
Molecular consequence: missense variant.
Genome position (GRCh38, 1-based): chr14:75,971,146, C>T on the plus strand (G>A on the coding strand, the complement: TGFB3 is on the minus strand). VCF-style: chr14-75971146-C-T. GRCh37 (hg19) VCF-style: chr14-76437489-C-T.
Other names: c.626G>A, p.Arg209His (NM_001329938.2, NM_001329939.2); short protein forms R209H.
Identifiers: ClinVar variation 519332 (VCV000519332.20), dbSNP rs779897294, ClinGen allele CA7280392.
Genomic context (GRCh38, chr14:75,971,146, plus strand): 5'-GAGGTTCATTCTGAAATGCTTATCTGAAGGGTCCACCTACCTCTTCTCAACAGCCACTCA[C>T]GCACAGTGTCAGTGACATCAAAGGACAGCCACTCGGCAGTGCCCCGTGTGGGCAGATTCT-3'
Protein context (NP_003230.1, residues 199-219): WLSFDVTDTV[Arg209His]EWLLRRESNL

ClinVar aggregate classification (germline): Conflicting classifications of pathogenicity. Review status: criteria provided, conflicting classifications (1 of 4 stars). 4 submissions from 4 submitters: Uncertain significance (3); Likely benign (1). Last evaluated 2025-11-11.

Conditions:
Familial thoracic aortic aneurysm and aortic dissection (TAAD). Also called: Thoracic aortic aneurysms and dissections. Identifiers: Orphanet 91387, MedGen C4707243, MONDO:0019625.
Rienhoff syndrome. Also called: LOEYS-DIETZ SYNDROME 5. Identifiers: MedGen C3810012, MONDO:0014262, OMIM 615582.

Allele frequency attached by ClinVar (database versions not stated): gnomAD 0.00003 and 0.00004; TOPMed 0.00003.
gnomAD v4.1: 15 of 1,613,984 alleles (0.00093%); highest among the groups gnomAD compares: African/African-American, 0.0067%; no homozygotes.

Submissions (4):

Labcorp Genetics (formerly Invitae), Labcorp
Classification: Uncertain significance for Rienhoff syndrome. Last evaluated: 2025-11-11. Review status: criteria provided, single submitter. Criteria: Invitae Variant Classification Sherloc (09022015). Collection method: clinical testing. Allele origin: germline.
Comment: This sequence change replaces arginine, which is basic and polar, with histidine, which is basic and polar, at codon 209 of the TGFB3 protein (p.Arg209His). This variant is present in population databases (rs779897294, gnomAD 0.009%). This variant has not been reported in the literature in individuals affected with TGFB3-related conditions. ClinVar contains an entry for this variant (Variation ID: 519332). Invitae Evidence Modeling of protein sequence and biophysical properties (such as structural, functional, and spatial information, amino acid conservation, physicochemical variation, residue mobility, and thermodynamic stability) indicates that this missense variant is not expected to disrupt TGFB3 protein function with a negative predictive value of 80%. In summary, the available evidence is currently insufficient to determine the role of this variant in disease. Therefore, it has been classified as a Variant of Uncertain Significance.

GeneDx
Classification: Uncertain significance. Last evaluated: 2024-08-29. Review status: criteria provided, single submitter. Criteria: GeneDx Variant Classification Process June 2021. Collection method: clinical testing. Allele origin: germline. Affected: yes.
Comment: Has not been previously published in association with connective tissue disorders as pathogenic or benign to our knowledge; Not observed at significant frequency in large population cohorts (gnomAD); In silico analysis indicates that this missense variant does not alter protein structure/function; This variant is associated with the following publications: (PMID: 27014907)

Victorian Clinical Genetics Services, Murdoch Childrens Research Institute
Classification: Likely benign for Rienhoff syndrome. Last evaluated: 2023-07-17. Review status: criteria provided, single submitter. Criteria: ACMG Guidelines, 2015. Collection method: clinical testing. Allele origin: germline. Inheritance: Autosomal dominant inheritance. Affected: yes.
Comment: Based on the classification scheme VCGS_Germline_v1.3.4, this variant is classified as Likely benign. Following criteria are met: 0102 - Loss of function is a known mechanism of disease in this gene and is associated with Loeys-Dietz syndrome 5 (MIM#615582). Dominant negative has been shown for a missense variant (PMID: 23824657). Increased TGFB signalling has also been reported however the exact mechanism is unclear (PMID: 25835445). (I) 0107 - This gene is associated with autosomal dominant Loeys-Dietz syndrome 5 (MIM#615582). The gene-disease association with arrhythmogenic right ventricular cardiomyopathy (MIM#107970) and non-syndromic familial thoracic aortic aneurysm and aortic dissection is limited (PanelApp Australia; ClinGen). (I) 0200 - Variant is predicted to result in a missense amino acid change from arginine to histidine. (I) 0251 - This variant is heterozygous. (I) 0302 - Variant is present in gnomAD (v2 and v3) <0.001 for a dominant condition (9 heterozygotes, 0 homozygotes). (SP) 0309 - Multiple alternative amino acid changes at the same position have been observed in gnomAD (v2) (highest allele count: 1 heterozygote, 0 homozygotes). (I) 0503 - Missense variant consistently predicted to be tolerated by multiple in silico tools or not conserved in placental mammals with a minor amino acid change. (SB) 0600 - Variant is located in the annotated TGF-beta propeptide domain (DECIPHER). (I) 0710 - Another missense variant comparable to the one identified in this case has inconclusive previous evidence for pathogenicity. The p.(Arg209Cys) variant has been classified once as a VUS by a clinical diagnostic laboratory (ClinVar). (I) 0809 - Previous evidence of pathogenicity for this variant is inconclusive. This variant has been classified as a VUS by multiple clinical diagnostic laboratories (ClinVar). (I) 0905 - No published segregation evidence has been identified for this variant. (I) 1007 - No published functional evidence has been identified for this variant. (I) 1208 - Inheritance information for this variant is not currently available in this individual. (I) Legend: (SP) - Supporting pathogenic, (I) - Information, (SB) - Supporting benign

Ambry Genetics
Classification: Uncertain significance for Familial thoracic aortic aneurysm and aortic dissection. Last evaluated: 2023-05-30. Review status: criteria provided, single submitter. Criteria: Ambry Variant Classification Scheme 2023. Collection method: clinical testing. Allele origin: germline.
Comment: The p.R209H variant (also known as c.626G>A), located in coding exon 3 of the TGFB3 gene, results from a G to A substitution at nucleotide position 626. The arginine at codon 209 is replaced by histidine, an amino acid with highly similar properties. This amino acid position is highly conserved in available vertebrate species. In addition, the in silico prediction for this alteration is inconclusive. Since supporting evidence is limited at this time, the clinical significance of this alteration remains unclear.

Literature cited by the submitters: PubMed 23824657 (cited by Victorian Clinical Genetics Services, Murdoch Childrens Research Institute); PubMed 25835445 (cited by Victorian Clinical Genetics Services, Murdoch Childrens Research Institute); PubMed 29392890 (cited by Victorian Clinical Genetics Services, Murdoch Childrens Research Institute).